The following is an entry in ClinVar:

NM_018192.4(P3H2):c.1475G>T (p.Gly492Val)

Gene: P3H2 (prolyl 3-hydroxylase 2; minus strand). Cytogenetic location: 3q28.
Variant type: single nucleotide variant.
Coding change: c.1475G>T on transcript NM_018192.4 (MANE Select); coding-DNA position 1475, G replaced by T.
Protein change: p.Gly492Val; replaces glycine 492 with valine.
Molecular consequence: missense variant.
Genome position (GRCh38, 1-based): chr3:189,973,982, C>A on the plus strand (G>T on the coding strand, the complement: P3H2 is on the minus strand). VCF-style: chr3-189973982-C-A. GRCh37 (hg19) VCF-style: chr3-189691771-C-A.
Other names: c.932G>T, p.Gly311Val (NM_001134418.2); short protein forms G492V, G311V.
Identifiers: ClinVar variation 4768460 (VCV004768460.1).

ClinVar aggregate classification (germline): Uncertain significance (1 of 4 stars; one submission).

gnomAD v4.1: 1 of 1,613,898 alleles (0.000062%); highest among the groups gnomAD compares: Non-Finnish European, 0.000085%; no homozygotes.

Submission:

Labcorp Genetics (formerly Invitae), Labcorp
Classification: Uncertain significance. Last evaluated: 2025-04-30. Review status: criteria provided, single submitter. Criteria: Invitae Variant Classification Sherloc (09022015). Collection method: clinical testing. Allele origin: germline.
Comment: This sequence change replaces glycine, which is neutral and non-polar, with valine, which is neutral and non-polar, at codon 492 of the P3H2 protein (p.Gly492Val). This variant is not present in population databases (gnomAD no frequency). This variant has not been reported in the literature in individuals affected with P3H2-related conditions. Invitae Evidence Modeling of protein sequence and biophysical properties (such as structural, functional, and spatial information, amino acid conservation, physicochemical variation, residue mobility, and thermodynamic stability) indicates that this missense variant is expected to disrupt P3H2 protein function with a positive predictive value of 80%. In summary, the available evidence is currently insufficient to determine the role of this variant in disease. Therefore, it has been classified as a Variant of Uncertain Significance.